The following is an entry in ClinVar:

ClinVar aggregate classification (germline): Uncertain significance. Review status: criteria provided, multiple submitters, no conflicts (2 of 4 stars). 2 submissions from 2 submitters: Uncertain significance (2). Last evaluated 2021-11-02.

Conditions:
Progressive sclerosing poliodystrophy (MTDPS4A). Also called: Alpers Syndrome; Mitochondrial DNA depletion syndrome 4A (Alpers type); Mitochondrial DNA Depletion Syndrome 4A; Alpers-Huttenlocher Syndrome (AHS); ALPERS PROGRESSIVE INFANTILE POLIODYSTROPHY; ALPERS DIFFUSE DEGENERATION OF CEREBRAL GRAY MATTER WITH HEPATIC CIRRHOSIS. Identifiers: Orphanet 726, MedGen C0205710, MONDO:0008758, OMIM 203700.

Allele frequency attached by ClinVar (database versions not stated): TOPMed below 0.00001.

Submissions (2):

Blueprint Genetics
Classification: Uncertain significance. Last evaluated: 2021-11-02. Review status: criteria provided, single submitter. Criteria: ACMG Guidelines, 2015. Collection method: clinical testing. Allele origin: germline.

Wong Mito Lab, Molecular and Human Genetics, Baylor College of Medicine
Classification: Uncertain significance for Progressive sclerosing poliodystrophy. Last evaluated: 2018-10-01. Review status: criteria provided, single submitter. Criteria: ACMG Guidelines, 2015. Collection method: clinical testing. Allele origin: germline.
Comment: The NM_002693.2:c.1186T>C (NP_002684.1:p.Cys396Arg) [GRCH38: NC_000015.10:g.89328520A>G] variant in POLG gene is interpretated to be a Uncertain Significance based on ACMG guidelines (PMID: 25741868). This variant meets the following evidence codes reported in the ACMG-guideline. PM2:This variant is absent in key population databases. PP3:Computational evidence/predictors indicate the variant has deleterious effect on POLG structure, function, or protein-protein interaction. Based on the evidence criteria codes applied, the variant is suggested to be Uncertain Significance.

NM_002693.3(POLG):c.1186T>C (p.Cys396Arg)

Gene: POLG (DNA polymerase gamma, catalytic subunit; minus strand). Cytogenetic location: 15q26.1.
Variant type: single nucleotide variant.
Coding change: c.1186T>C on transcript NM_002693.3 (MANE Select); coding-DNA position 1186, T replaced by C.
Protein change: p.Cys396Arg; replaces cysteine 396 with arginine.
Molecular consequence: missense variant.
Genome position (GRCh38, 1-based): chr15:89,328,520, A>G on the plus strand (T>C on the coding strand, the complement: POLG is on the minus strand). VCF-style: chr15-89328520-A-G. GRCh37 (hg19) VCF-style: chr15-89871751-A-G.
Other names: c.1186T>C, p.Cys396Arg (NM_001126131.2); short protein forms C396R.
Identifiers: ClinVar variation 619405 (VCV000619405.2), dbSNP rs1567191994, ClinGen allele CA10602182.